The following is an entry in ClinVar:

NM_006080.3(SEMA3A):c.1923G>C (p.Gln641His)

Gene: SEMA3A (semaphorin 3A; minus strand). Cytogenetic location: 7q21.11.
Variant type: single nucleotide variant.
Coding change: c.1923G>C on transcript NM_006080.3 (MANE Select); coding-DNA position 1923, G replaced by C.
Protein change: p.Gln641His; replaces glutamine 641 with histidine.
Molecular consequence: missense variant.
Genome position (GRCh38, 1-based): chr7:83,961,764, C>G on the plus strand (G>C on the coding strand, the complement: SEMA3A is on the minus strand). VCF-style: chr7-83961764-C-G. GRCh37 (hg19) VCF-style: chr7-83591080-C-G.
Other names: short protein forms Q641H.
Identifiers: ClinVar variation 731604 (VCV000731604.18), dbSNP rs115335242, ClinGen allele CA4322571.

ClinVar aggregate classification (germline): Benign/Likely benign. Review status: criteria provided, multiple submitters, no conflicts (2 of 4 stars). 3 submissions from 3 submitters: Benign (2); Likely benign (1). Last evaluated 2026-01-19.

Allele frequency attached by ClinVar (database versions not stated): gnomAD exomes 0.00031 and 0.00085; ExAC 0.00095; 1000 Genomes Project 30x 0.00234; 1000 Genomes Project 0.00280; gnomAD 0.00346 and 0.00372; ESP Exome Variant Server 0.00369; TOPMed 0.00380.
gnomAD v4.1: 1,018 of 1,613,962 alleles (0.063%); highest among the groups gnomAD compares: African/African-American, 1.2%; 2 homozygotes.

Submissions (3):

Labcorp Genetics (formerly Invitae), Labcorp
Classification: Benign. Last evaluated: 2026-01-19. Review status: criteria provided, single submitter. Criteria: Invitae Variant Classification Sherloc (09022015). Collection method: clinical testing. Allele origin: germline.

CeGaT Center for Human Genetics Tuebingen
Classification: Likely benign. Last evaluated: 2025-08-01. Review status: criteria provided, single submitter. Criteria: CeGaT Center For Human Genetics Tuebingen Variant Classification Criteria Version 2. Collection method: clinical testing. Allele origin: germline. Affected: yes. Observed: 1 variant allele.
Comment: SEMA3A: BP4, BS1

Breakthrough Genomics
Classification: Benign. Review status: criteria provided, single submitter. Criteria: ACMG Guidelines, 2015. Collection method: not provided. Allele origin: germline. Inheritance: Autosomal dominant inheritance. Affected: yes.